The following is an entry in ClinVar:

NM_001843.4(CNTN1):c.95-294G>A

Gene: CNTN1 (contactin 1; plus strand). Cytogenetic location: 12q12.
Variant type: single nucleotide variant.
Coding change: c.95-294G>A on transcript NM_001843.4 (MANE Select); 294 bases into the intron before coding-DNA position 95, G replaced by A.
Molecular consequence: intron variant.
Genome position (GRCh38, 1-based): chr12:40,918,345, G>A. VCF-style: chr12-40918345-G-A. GRCh37 (hg19) VCF-style: chr12-41312147-G-A.
Other names: c.95-294G>A (NM_001256063.2, NM_001256064.2); c.62-294G>A (NM_175038.2).
Identifiers: ClinVar variation 671823 (VCV000671823.1), dbSNP rs1372543, ClinGen allele CA235386636.

ClinVar aggregate classification (germline): Benign (1 of 4 stars; one submission).

Allele frequency attached by ClinVar (database versions not stated): gnomAD 0.06078 and 0.06197; TOPMed 0.06692; 1000 Genomes Project 0.08387; 1000 Genomes Project 30x 0.08526.
gnomAD v4.1: 9,419 of 152,074 alleles (6.2%); highest among the groups gnomAD compares: Admixed American, 16%; 515 homozygotes.

Submission:

GeneDx
Classification: Benign. Last evaluated: 2018-06-18. Review status: criteria provided, single submitter. Criteria: GeneDx Variant Classification (06012015). Collection method: clinical testing. Allele origin: germline. Affected: yes.
Comment: This variant is considered likely benign or benign based on one or more of the following criteria: it is a conservative change, it occurs at a poorly conserved position in the protein, it is predicted to be benign by multiple in silico algorithms, and/or has population frequency not consistent with disease.